The following is an entry in ClinVar:

NM_000136.3(FANCC):c.686T>C (p.Leu229Pro)

Genes: AOPEP (aminopeptidase O (putative); plus strand), FANCC (FA complementation group C; minus strand). Cytogenetic location: 9q22.32.
Variant type: single nucleotide variant.
Coding change: c.686T>C on transcript NM_000136.3 (MANE Select); coding-DNA position 686, T replaced by C.
Protein change: p.Leu229Pro; replaces leucine 229 with proline.
Molecular consequence: missense variant.
Genome position (GRCh38, 1-based): chr9:95,149,923, A>G on the plus strand (T>C on the coding strand, the complement: FANCC is on the minus strand). VCF-style: chr9-95149923-A-G. GRCh37 (hg19) VCF-style: chr9-97912205-A-G.
Other names: c.686T>C, p.Leu229Pro (NM_001243743.2, NM_001243744.2); short protein forms L229P.
Identifiers: ClinVar variation 1755886 (VCV001755886.2), dbSNP rs369770340, ClinGen allele CA374109509.

ClinVar aggregate classification (germline): Uncertain significance (1 of 4 stars; one submission).

Conditions:
Hereditary cancer-predisposing syndrome. Also called: Neoplastic Syndromes, Hereditary; Tumor predisposition; Hereditary Cancer Syndrome; Hereditary neoplastic syndrome. Identifiers: Orphanet 140162, MedGen C0027672, MeSH D009386, MONDO:0015356.

gnomAD v4.1: 1 of 1,597,732 alleles (0.000063%); highest among the groups gnomAD compares: Non-Finnish European, 0.000085%; no homozygotes.

Submission:

Ambry Genetics
Classification: Uncertain significance for Hereditary cancer-predisposing syndrome. Last evaluated: 2021-06-16. Review status: criteria provided, single submitter. Criteria: Ambry Variant Classification Scheme 2023. Collection method: clinical testing. Allele origin: germline.
Comment: The p.L229P variant (also known as c.686T>C), located in coding exon 6 of the FANCC gene, results from a T to C substitution at nucleotide position 686. The leucine at codon 229 is replaced by proline, an amino acid with similar properties. This amino acid position is poorly conserved in available vertebrate species. In addition, this alteration is predicted to be tolerated by in silico analysis. Since supporting evidence is limited at this time, the clinical significance of this alteration remains unclear.